The following is an entry in ClinVar:

ClinVar aggregate classification (germline): Likely benign. Review status: criteria provided, multiple submitters, no conflicts (2 of 4 stars). 3 submissions from 3 submitters: Likely benign (3). Last evaluated 2025-11-25.

Conditions:
CDAN1-related disorder. Also called: CDAN1-related condition.

Allele frequency attached by ClinVar (database versions not stated): gnomAD 0.00004; TOPMed 0.00006; gnomAD exomes 0.00008 and 0.00010; ExAC 0.00011.
gnomAD v4.1: 130 of 1,589,330 alleles (0.0082%); highest among the groups gnomAD compares: South Asian, 0.036%; no homozygotes.

Submissions (3):

Labcorp Genetics (formerly Invitae), Labcorp
Classification: Likely benign. Last evaluated: 2025-11-25. Review status: criteria provided, single submitter. Criteria: Invitae Variant Classification Sherloc (09022015). Collection method: clinical testing. Allele origin: germline.

PreventionGenetics, part of Exact Sciences
Classification: Likely benign for CDAN1-related condition. Last evaluated: 2025-01-31. Review status: criteria provided, single submitter. Criteria: ACMG Guidelines, 2015. Collection method: clinical testing. Allele origin: germline.
Comment: This variant is classified as likely benign based on ACMG/AMP sequence variant interpretation guidelines (Richards et al. 2015 PMID: 25741868, with internal and published modifications).

Blueprint Genetics
Classification: Likely benign. Last evaluated: 2023-03-10. Review status: criteria provided, single submitter. Criteria: ACMG Guidelines, 2015. Collection method: clinical testing. Allele origin: germline.

NM_138477.4(CDAN1):c.3045C>T (p.Arg1015=)

Gene: CDAN1 (codanin 1; minus strand). Cytogenetic location: 15q15.2.
Variant type: single nucleotide variant.
Coding change: c.3045C>T on transcript NM_138477.4 (MANE Select); coding-DNA position 3045, C replaced by T.
Protein change: p.Arg1015=; no amino-acid change (arginine 1015 retained).
Molecular consequence: synonymous variant.
Genome position (GRCh38, 1-based): chr15:42,727,672, G>A on the plus strand (C>T on the coding strand, the complement: CDAN1 is on the minus strand). VCF-style: chr15-42727672-G-A. GRCh37 (hg19) VCF-style: chr15-43019870-G-A.
Identifiers: ClinVar variation 754093 (VCV000754093.10), dbSNP rs758732191, ClinGen allele CA7515324.
Genomic context (GRCh38, chr15:42,727,672, plus strand): 5'-GCCGTGTACTTTTATCTCGGAGATGAGGTGGGAGGGGAGGGGAGCATGGTGCTCACAGGC[G>A]CGGGAGCAGCCCCTCCGCTCCCCCCGGGCAGCAGGTTCAGGACCCTGGGCTCGAAGTGTG-3'
Protein context (NP_612486.2, residues 1005-1025): AARGERRGCS[Arg1015=]ACEHHAPLPS